The following is an entry in ClinVar:

ClinVar aggregate classification (germline): Uncertain significance (1 of 4 stars; one submission).

Conditions:
Warts, hypogammaglobulinemia, infections, and myelokathexis. Also called: WHIM syndrome. Identifiers: MedGen C0472817, MONDO:0023880.

Allele frequency attached by ClinVar (database versions not stated): gnomAD 0.00001.
gnomAD v4.1: 3 of 1,613,802 alleles (0.00019%); highest among the groups gnomAD compares: East Asian, 0.0067%; no homozygotes.

Submission:

Labcorp Genetics (formerly Invitae), Labcorp
Classification: Uncertain significance for Warts, hypogammaglobulinemia, infections, and myelokathexis. Last evaluated: 2022-06-19. Review status: criteria provided, single submitter. Criteria: Invitae Variant Classification Sherloc (09022015). Collection method: clinical testing. Allele origin: germline.
Comment: This sequence change replaces glutamic acid, which is acidic and polar, with glycine, which is neutral and non-polar, at codon 2 of the CXCR4 protein (p.Glu2Gly). This variant is present in population databases (no rsID available, gnomAD 0.006%). This variant has not been reported in the literature in individuals affected with CXCR4-related conditions. Algorithms developed to predict the effect of missense changes on protein structure and function (SIFT, PolyPhen-2, Align-GVGD) all suggest that this variant is likely to be tolerated. In summary, the available evidence is currently insufficient to determine the role of this variant in disease. Therefore, it has been classified as a Variant of Uncertain Significance.

NM_003467.3(CXCR4):c.5A>G (p.Glu2Gly)

Gene: CXCR4 (C-X-C motif chemokine receptor 4; minus strand). Cytogenetic location: 2q22.1.
Variant type: single nucleotide variant.
Coding change: c.5A>G on transcript NM_003467.3 (MANE Select); coding-DNA position 5, A replaced by G.
Protein change: p.Glu2Gly; replaces glutamic acid 2 with glycine.
Molecular consequence: missense variant.
Genome position (GRCh38, 1-based): chr2:136,118,056, T>C on the plus strand (A>G on the coding strand, the complement: CXCR4 is on the minus strand). VCF-style: chr2-136118056-T-C. GRCh37 (hg19) VCF-style: chr2-136875626-T-C.
Other names: c.5A>G, p.Glu2Gly (NM_001348056.2, NM_001348059.2); short protein forms E2G.
Identifiers: ClinVar variation 2008351 (VCV002008351.4), dbSNP rs1226785105, ClinGen allele CA348660418.